The following is an entry in ClinVar:

ClinVar aggregate classification (germline): Likely benign. Review status: criteria provided, single submitter (1 of 4 stars). 2 submissions from 2 submitters: Likely benign (1). 1 of the submissions does not count toward it. Last evaluated 2024-04-03.

Conditions:
DARS1-related disorder. Also called: DARS1-related condition.

Allele frequency attached by ClinVar (database versions not stated): gnomAD exomes below 0.00001; ExAC 0.00001; TOPMed 0.00003; gnomAD 0.00004.
gnomAD v4.1: 11 of 1,549,504 alleles (0.00071%); highest among the groups gnomAD compares: African/African-American, 0.011%; no homozygotes.

Submissions (2):

Labcorp Genetics (formerly Invitae), Labcorp
Classification: Likely benign. Last evaluated: 2024-04-03. Review status: criteria provided, single submitter. Criteria: Invitae Variant Classification Sherloc (09022015). Collection method: clinical testing. Allele origin: germline.

PreventionGenetics, part of Exact Sciences
Classification: Likely benign for DARS1-related condition. Last evaluated: 2019-06-13. Review status: no assertion criteria provided. Collection method: clinical testing. Allele origin: germline. Not counted in ClinVar's aggregate classification.
Comment: This variant is classified as likely benign based on ACMG/AMP sequence variant interpretation guidelines (Richards et al. 2015 PMID: 25741868, with internal and published modifications).

NM_001349.4(DARS1):c.1374C>G (p.Ser458=)

Gene: DARS1 (aspartyl-tRNA synthetase 1; minus strand). Cytogenetic location: 2q21.3.
Variant type: single nucleotide variant.
Coding change: c.1374C>G on transcript NM_001349.4 (MANE Select); coding-DNA position 1374, C replaced by G.
Protein change: p.Ser458=; no amino-acid change (serine 458 retained).
Molecular consequence: synonymous variant.
Genome position (GRCh38, 1-based): chr2:135,911,179, G>C on the plus strand (C>G on the coding strand, the complement: DARS1 is on the minus strand). VCF-style: chr2-135911179-G-C. GRCh37 (hg19) VCF-style: chr2-136668749-G-C.
Other names: c.1074C>G, p.Ser358= (NM_001293312.1).
Identifiers: ClinVar variation 3034295 (VCV003034295.4), dbSNP rs1803167, ClinGen allele CA1889470.